The following is an entry in ClinVar:

ClinVar aggregate classification (germline): Uncertain significance (1 of 4 stars; one submission).

Conditions:
Adams-Oliver syndrome 5 (AOS5). Identifiers: Orphanet 974, MedGen C4014970, MONDO:0014459, OMIM 616028.

Allele frequency attached by ClinVar (database versions not stated): gnomAD exomes below 0.00001; gnomAD 0.00001.
gnomAD v4.1: 2 of 1,613,014 alleles (0.00012%); highest among the groups gnomAD compares: Middle Eastern, 0.016%; no homozygotes.

Submission:

Labcorp Genetics (formerly Invitae), Labcorp
Classification: Uncertain significance for Adams-Oliver syndrome 5. Last evaluated: 2024-11-28. Review status: criteria provided, single submitter. Criteria: Invitae Variant Classification Sherloc (09022015). Collection method: clinical testing. Allele origin: germline.
Comment: This sequence change falls in intron 32 of the NOTCH1 gene. It does not directly change the encoded amino acid sequence of the NOTCH1 protein. It affects a nucleotide within the consensus splice site. This variant is present in population databases (no rsID available, gnomAD 0.007%). This variant has not been reported in the literature in individuals affected with NOTCH1-related conditions. ClinVar contains an entry for this variant (Variation ID: 2813245). Variants that disrupt the consensus splice site are a relatively common cause of aberrant splicing (PMID: 17576681, 9536098). Algorithms developed to predict the effect of sequence changes on RNA splicing suggest that this variant is not likely to affect RNA splicing. In summary, the available evidence is currently insufficient to determine the role of this variant in disease. Therefore, it has been classified as a Variant of Uncertain Significance.

Literature cited by the submitters: PubMed 17576681; PubMed 9536098.

NM_017617.5(NOTCH1):c.6082+3G>A

Genes: NOTCH1 (notch receptor 1; minus strand), LOC126860794 (BRD4-independent group 4 enhancer GRCh37_chr9:139392592-139393791; plus strand). Cytogenetic location: 9q34.3.
Variant type: single nucleotide variant.
Coding change: c.6082+3G>A on transcript NM_017617.5 (MANE Select); 3 bases into the intron after coding-DNA position 6082, G replaced by A.
Molecular consequence: intron variant.
Genome position (GRCh38, 1-based): chr9:136,499,109, C>T on the plus strand (G>A on the coding strand, the complement: NOTCH1 is on the minus strand). VCF-style: chr9-136499109-C-T. GRCh37 (hg19) VCF-style: chr9-139393561-C-T.
Identifiers: ClinVar variation 2813245 (VCV002813245.3), dbSNP rs1402431855, ClinGen allele CA591367156.